The following is an entry in ClinVar:

NM_001034853.2(RPGR):c.1572+6del

Gene: RPGR (retinitis pigmentosa GTPase regulator; minus strand). Cytogenetic location: Xp11.4.
Variant type: Deletion.
Coding change: c.1572+6del on transcript NM_001034853.2 (MANE Select); 6 bases into the intron after coding-DNA position 1572, one base deleted (A; older notation c.1572+6delA).
Molecular consequence: intron variant.
Genome position (GRCh38, 1-based): chrX:38,290,953, T deleted on the plus strand (A on the coding strand, the reverse complement: RPGR is on the minus strand); the first of 2 consecutive T bases (chrX:38,290,953-38,290,954); deleting either gives the same sequence. VCF-style (leftmost placement, unchanged base first): chrX-38290952-AT-A. GRCh37 (hg19) VCF-style: chrX-38150205-AT-A.
Other names: c.1569+6del (NM_001367249.1, NM_001367250.1, NM_001367245.1); c.1386+6del (NM_001367251.1, NM_001367246.1); c.1572+6del (NM_001367247.1, NM_000328.3); c.1602+6del (NM_001367248.1).
Identifiers: ClinVar variation 2028662 (VCV002028662.4), dbSNP rs2519806122, ClinGen allele CA2580100813.
Genomic context (GRCh38, chrX:38,290,952, plus strand): 5'-AACCATCCAAAAAATTAACTTAAACTGCTCTCACCAACAATAACGAAAATAAATCTTCAT[AT>A]TATACCTTTTGTTTCTGAACTGGTGATAATTTTAATGACTTTTCATTGGAATTCAGGCTC-3'

ClinVar aggregate classification (germline): Uncertain significance (1 of 4 stars; one submission).

Conditions:
Primary ciliary dyskinesia. Also called: Ciliary dyskinesia. Identifiers: Orphanet 244, MedGen C0008780, MONDO:0016575, HP:0012265.

Submission:

Labcorp Genetics (formerly Invitae), Labcorp
Classification: Uncertain significance for Primary ciliary dyskinesia. Last evaluated: 2022-09-02. Review status: criteria provided, single submitter. Criteria: Invitae Variant Classification Sherloc (09022015). Collection method: clinical testing. Allele origin: germline.
Comment: In summary, the available evidence is currently insufficient to determine the role of this variant in disease. Therefore, it has been classified as a Variant of Uncertain Significance. Variants that disrupt the consensus splice site are a relatively common cause of aberrant splicing (PMID: 17576681, 9536098). Algorithms developed to predict the effect of sequence changes on RNA splicing suggest that this variant is not likely to affect RNA splicing. This variant has not been reported in the literature in individuals affected with RPGR-related conditions. This variant is not present in population databases (gnomAD no frequency). This sequence change falls in intron 13 of the RPGR gene. It does not directly change the encoded amino acid sequence of the RPGR protein. It affects a nucleotide within the consensus splice site.

Literature cited by the submitters: PubMed 17576681; PubMed 9536098.